The following is an entry in ClinVar:

ClinVar aggregate classification (germline): Uncertain significance. Review status: criteria provided, multiple submitters, no conflicts (2 of 4 stars). 3 submissions from 3 submitters: Uncertain significance (3). Last evaluated 2024-10-03.

Conditions:
Sarcotubular myopathy (LGMDR8). Also called: Hutterite type of muscular dystrophy; MUSCULAR DYSTROPHY, LIMB-GIRDLE, AUTOSOMAL RECESSIVE 8; Autosomal recessive limb-girdle muscular dystrophy type 2H; Limb-girdle muscular dystrophy, type 2H. Identifiers: Orphanet 1878, MedGen C0270968, MONDO:0009683, OMIM 254110.
Bardet-Biedl syndrome 11 (BBS11). Identifiers: Orphanet 110, MedGen C1859569, MONDO:0014439, OMIM 615988.
TRIM32-related disorder. Also called: TRIM32-related condition.
Bardet-Biedl syndrome (BBS). Identifiers: Orphanet 110, MedGen C0752166, MONDO:0015229.

Allele frequency attached by ClinVar (database versions not stated): TOPMed 0.00001.
gnomAD v4.1: 2 of 1,614,212 alleles (0.00012%); highest among the groups gnomAD compares: Admixed American, 0.0033%; no homozygotes.

Submissions (3):

PreventionGenetics, part of Exact Sciences
Classification: Uncertain significance for TRIM32-related condition. Last evaluated: 2024-10-03. Review status: criteria provided, single submitter. Criteria: ACMG Guidelines, 2015. Collection method: clinical testing. Allele origin: germline.
Comment: The TRIM32 c.1951T>C variant is predicted to result in the amino acid substitution p.Ser651Pro. To our knowledge, this variant has not been reported in the literature. This variant is reported in 0.0058% of alleles in individuals of Latino descent in gnomAD. At this time, the clinical significance of this variant is uncertain due to the absence of conclusive functional and genetic evidence.

Fulgent Genetics
Classification: Uncertain significance for Sarcotubular myopathy; Bardet-Biedl syndrome 11. Last evaluated: 2024-05-13. Review status: criteria provided, single submitter. Criteria: ACMG Guidelines, 2015. Collection method: clinical testing. Allele origin: germline.

Labcorp Genetics (formerly Invitae), Labcorp
Classification: Uncertain significance for Bardet-Biedl syndrome. Last evaluated: 2022-06-20. Review status: criteria provided, single submitter. Criteria: Invitae Variant Classification Sherloc (09022015). Collection method: clinical testing. Allele origin: germline.
Comment: This sequence change replaces serine, which is neutral and polar, with proline, which is neutral and non-polar, at codon 651 of the TRIM32 protein (p.Ser651Pro). This variant is present in population databases (no rsID available, gnomAD 0.006%). This variant has not been reported in the literature in individuals affected with TRIM32-related conditions. Algorithms developed to predict the effect of missense changes on protein structure and function (SIFT, PolyPhen-2, Align-GVGD) all suggest that this variant is likely to be disruptive. In summary, the available evidence is currently insufficient to determine the role of this variant in disease. Therefore, it has been classified as a Variant of Uncertain Significance.

NM_012210.4(TRIM32):c.1951T>C (p.Ser651Pro)

Genes: ASTN2 (astrotactin 2; minus strand), TRIM32 (tripartite motif containing 32; plus strand). Cytogenetic location: 9q33.1.
Variant type: single nucleotide variant.
Coding change: c.1951T>C on transcript NM_012210.4 (MANE Select); coding-DNA position 1951, T replaced by C.
Protein change: p.Ser651Pro; replaces serine 651 with proline.
Molecular consequence: missense variant. On other transcripts: intron variant (3).
Genome position (GRCh38, 1-based): chr9:116,699,693, T>C. VCF-style: chr9-116699693-T-C. GRCh37 (hg19) VCF-style: chr9-119461972-T-C.
Other names: c.1951T>C, p.Ser651Pro (NM_001099679.2, NM_001379048.1, NM_001379049.1 and 1 more transcripts); c.2653+26078A>G (NM_014010.5); c.2794+26078A>G (NM_001365069.1); c.2806+26078A>G (NM_001365068.1); short protein forms S651P.
Identifiers: ClinVar variation 1398879 (VCV001398879.8), dbSNP rs1402865703, ClinGen allele CA374652798.